The following is an entry in ClinVar:

ClinVar aggregate classification (germline): Uncertain significance. Review status: criteria provided, multiple submitters, no conflicts (2 of 4 stars). 4 submissions from 4 submitters: Uncertain significance (4). Last evaluated 2025-06-04.

Conditions:
Fumarase deficiency (FMRD). Also called: Fumaric aciduria; Fumarate Hydratase Deficiency. Identifiers: Orphanet 24, MedGen C0342770, MONDO:0011730, OMIM 606812.
Hereditary cancer-predisposing syndrome. Also called: Neoplastic Syndromes, Hereditary; Hereditary Cancer Syndrome; Tumor predisposition; Hereditary neoplastic syndrome. Identifiers: Orphanet 140162, MedGen C0027672, MeSH D009386, MONDO:0015356.

Allele frequency attached by ClinVar (database versions not stated): gnomAD exomes below 0.00001 and 0.00001; TOPMed below 0.00001.
gnomAD v4.1: 4 of 1,614,160 alleles (0.00025%); highest among the groups gnomAD compares: Non-Finnish European, 0.00034%; no homozygotes.

Submissions (4):

Labcorp Genetics (formerly Invitae), Labcorp
Classification: Uncertain significance. Last evaluated: 2025-06-04. Review status: criteria provided, single submitter. Criteria: Invitae Variant Classification Sherloc (09022015). Collection method: clinical testing. Allele origin: germline.
Comment: This sequence change replaces phenylalanine, which is neutral and non-polar, with leucine, which is neutral and non-polar, at codon 50 of the FH protein (p.Phe50Leu). This variant is not present in population databases (gnomAD no frequency). This variant has not been reported in the literature in individuals affected with FH-related conditions. ClinVar contains an entry for this variant (Variation ID: 1432248). Invitae Evidence Modeling of protein sequence and biophysical properties (such as structural, functional, and spatial information, amino acid conservation, physicochemical variation, residue mobility, and thermodynamic stability) has been performed for this missense variant. However, the output from this modeling did not meet the statistical confidence thresholds required to predict the impact of this variant on FH protein function. In summary, the available evidence is currently insufficient to determine the role of this variant in disease. Therefore, it has been classified as a Variant of Uncertain Significance.

Baylor Genetics
Classification: Uncertain significance for Fumarase deficiency. Last evaluated: 2024-03-29. Review status: criteria provided, single submitter. Criteria: ACMG Guidelines, 2015. Collection method: clinical testing. Allele origin: unknown.

Ambry Genetics
Classification: Uncertain significance for Hereditary cancer-predisposing syndrome. Last evaluated: 2024-01-03. Review status: criteria provided, single submitter. Criteria: Ambry Variant Classification Scheme 2023. Collection method: clinical testing. Allele origin: germline.
Comment: The p.F50L variant (also known as c.148T>C), located in coding exon 2 of the FH gene, results from a T to C substitution at nucleotide position 148. The phenylalanine at codon 50 is replaced by leucine, an amino acid with highly similar properties. This amino acid position is well conserved in available vertebrate species. In addition, the in silico prediction for this alteration is inconclusive. Since supporting evidence is limited at this time, the clinical significance of this alteration remains unclear.

GeneDx
Classification: Uncertain significance. Last evaluated: 2023-11-25. Review status: criteria provided, single submitter. Criteria: GeneDx Variant Classification Process June 2021. Collection method: clinical testing. Allele origin: germline. Affected: yes.
Comment: Not observed at significant frequency in large population cohorts (gnomAD); In silico analysis supports that this missense variant has a deleterious effect on protein structure/function; Has not been previously published as pathogenic or benign to our knowledge

NM_000143.4(FH):c.148T>C (p.Phe50Leu)

Gene: FH (fumarate hydratase; minus strand). Cytogenetic location: 1q43.
Variant type: single nucleotide variant.
Coding change: c.148T>C on transcript NM_000143.4 (MANE Select); coding-DNA position 148, T replaced by C.
Protein change: p.Phe50Leu; replaces phenylalanine 50 with leucine.
Molecular consequence: missense variant.
Genome position (GRCh38, 1-based): chr1:241,517,301, A>G on the plus strand (T>C on the coding strand, the complement: FH is on the minus strand). VCF-style: chr1-241517301-A-G. GRCh37 (hg19) VCF-style: chr1-241680601-A-G.
Other names: c.148T>C (NM_000143.3); short protein forms F50L.
Identifiers: ClinVar variation 1432248 (VCV001432248.9), dbSNP rs1558402284, ClinGen allele CA345442019.